The following is an entry in ClinVar:

ClinVar aggregate classification (germline): Uncertain significance (1 of 4 stars; one submission).

Conditions:
Hereditary cancer-predisposing syndrome. Also called: Neoplastic Syndromes, Hereditary; Tumor predisposition; Hereditary Cancer Syndrome; Hereditary neoplastic syndrome. Identifiers: Orphanet 140162, MedGen C0027672, MeSH D009386, MONDO:0015356.

Submission:

Ambry Genetics
Classification: Uncertain significance for Hereditary cancer-predisposing syndrome. Last evaluated: 2025-09-25. Review status: criteria provided, single submitter. Criteria: Ambry Variant Classification Scheme 2023. Collection method: clinical testing. Allele origin: germline.
Comment: The p.S461T variant (also known as c.1382G>C), located in coding exon 4 of the PALB2 gene, results from a G to C substitution at nucleotide position 1382. The serine at codon 461 is replaced by threonine, an amino acid with similar properties. This amino acid position is conserved. In addition, this alteration is predicted to be tolerated by in silico analysis. Based on the available evidence, the clinical significance of this variant remains unclear.

NM_024675.4(PALB2):c.1382G>C (p.Ser461Thr)

Gene: PALB2 (partner and localizer of BRCA2; minus strand). Cytogenetic location: 16p12.2.
Variant type: single nucleotide variant.
Coding change: c.1382G>C on transcript NM_024675.4 (MANE Select); coding-DNA position 1382, G replaced by C.
Protein change: p.Ser461Thr; replaces serine 461 with threonine.
Molecular consequence: missense variant. On other transcripts: intron variant (3).
Genome position (GRCh38, 1-based): chr16:23,635,164, C>G on the plus strand (G>C on the coding strand, the complement: PALB2 is on the minus strand). VCF-style: chr16-23635164-C-G. GRCh37 (hg19) VCF-style: chr16-23646485-C-G.
Other names: c.1322G>C, p.Ser441Thr (NM_001407296.1); c.1382G>C, p.Ser461Thr (NM_001407297.1, NM_001407298.1, NM_001407299.1 and 3 more transcripts); c.497G>C, p.Ser166Thr (NM_001407304.1, NM_001407305.1, NM_001407306.1 and 5 more transcripts); c.49-5889G>C (NM_001407314.1); c.-104-4695G>C (NM_001407313.1, NM_001407312.1); short protein forms S441T, S166T, S461T.
Identifiers: ClinVar variation 4663620 (VCV004663620.1).